The following is an entry in ClinVar:

ClinVar aggregate classification (germline): Conflicting classifications of pathogenicity. Review status: criteria provided, conflicting classifications (1 of 4 stars). 5 submissions from 5 submitters: Uncertain significance (3); Likely benign (2). Last evaluated 2025-10-01.

Conditions:
Charcot-Marie-Tooth disease type 1C. Also called: CHARCOT-MARIE-TOOTH DISEASE, DEMYELINATING, TYPE 1C; CMT, SLOW NERVE CONDUCTION TYPE C; HMSN IC; NEUROPATHY, HEREDITARY MOTOR AND SENSORY, TYPE IC; CHARCOT-MARIE-TOOTH NEUROPATHY, TYPE 1C; Charcot-Marie-Tooth disease, type IC. Identifiers: Orphanet 101083, MedGen C0270913, MONDO:0010995, OMIM 601098.
LITAF-related disorder. Also called: LITAF-related condition.
Inborn genetic diseases. Identifiers: MedGen C0950123, MeSH D030342.

Allele frequency attached by ClinVar (database versions not stated): ExAC 0.00002; gnomAD exomes 0.00004; gnomAD 0.00005 and 0.00006; ESP Exome Variant Server 0.00008; TOPMed 0.00009.
gnomAD v4.1: 54 of 1,613,976 alleles (0.0033%); highest among the groups gnomAD compares: Middle Eastern, 0.033%; no homozygotes.

Submissions (5):

Women's Health and Genetics/Laboratory Corporation of America, LabCorp
Classification: Likely benign. Last evaluated: 2025-10-01. Review status: criteria provided, single submitter. Criteria: LabCorp Variant Classification Summary - May 2015. Collection method: clinical testing. Allele origin: germline.
Comment: Variant summary: LITAF c.310G>A (p.Val104Met) results in a conservative amino acid change in the encoded protein sequence. Algorithms developed to predict the effect of missense changes on protein structure and function are either unavailable or do not agree on the potential impact of this missense change. The variant allele was found at a frequency of 4.4e-05 in 251216 control chromosomes. The observed variant frequency exceeds the estimated maximal expected allele frequency for disease-causing variants in LITAF. To our knowledge, no occurrence of c.310G>A in individuals affected with LITAF-related conditions and no experimental evidence demonstrating its impact on protein function have been reported. ClinVar contains an entry for this variant (Variation ID: 648776). Based on the evidence outlined above, the variant was classified as likely benign.

PreventionGenetics, part of Exact Sciences
Classification: Uncertain significance for LITAF-related condition. Last evaluated: 2025-06-17. Review status: criteria provided, single submitter. Criteria: ACMG Guidelines, 2015. Collection method: clinical testing. Allele origin: germline.
Comment: The LITAF c.310G>A variant is predicted to result in the amino acid substitution p.Val104Met. To our knowledge, this variant has not been reported in the literature. This variant is reported in 0.016% of alleles in individuals of African descent in gnomAD. At this time, the clinical significance of this variant is uncertain due to the absence of conclusive functional and genetic evidence.

Labcorp Genetics (formerly Invitae), Labcorp
Classification: Uncertain significance for Charcot-Marie-Tooth disease type 1C. Last evaluated: 2024-10-17. Review status: criteria provided, single submitter. Criteria: Invitae Variant Classification Sherloc (09022015). Collection method: clinical testing. Allele origin: germline.
Comment: This sequence change replaces valine, which is neutral and non-polar, with methionine, which is neutral and non-polar, at codon 104 of the LITAF protein (p.Val104Met). This variant is present in population databases (rs373445989, gnomAD 0.02%). This variant has not been reported in the literature in individuals affected with LITAF-related conditions. ClinVar contains an entry for this variant (Variation ID: 648776). An algorithm developed to predict the effect of missense changes on protein structure and function (PolyPhen-2) suggests that this variant is likely to be disruptive. In summary, the available evidence is currently insufficient to determine the role of this variant in disease. Therefore, it has been classified as a Variant of Uncertain Significance.

Ambry Genetics
Classification: Likely benign for Inborn genetic diseases. Last evaluated: 2021-08-09. Review status: criteria provided, single submitter. Criteria: Ambry Variant Classification Scheme 2023. Collection method: clinical testing. Allele origin: germline.

Illumina Laboratory Services, Illumina
Classification: Uncertain significance for Charcot-Marie-Tooth disease type 1C. Last evaluated: 2017-04-27. Review status: criteria provided, single submitter. Criteria: ICSL Variant Classification Criteria 13 December 2019. Collection method: clinical testing. Allele origin: germline.

NM_001136472.2(LITAF):c.310G>A (p.Val104Met)

Gene: LITAF (lipopolysaccharide induced TNF factor; minus strand). Cytogenetic location: 16p13.13.
Variant type: single nucleotide variant.
Coding change: c.310G>A on transcript NM_001136472.2 (MANE Select); coding-DNA position 310, G replaced by A.
Protein change: p.Val104Met; replaces valine 104 with methionine.
Molecular consequence: missense variant. On other transcripts: non-coding transcript variant (1).
Genome position (GRCh38, 1-based): chr16:11,553,600, C>T on the plus strand (G>A on the coding strand, the complement: LITAF is on the minus strand). VCF-style: chr16-11553600-C-T. GRCh37 (hg19) VCF-style: chr16-11647456-C-T.
Other names: c.310G>A, p.Val104Met (NM_001136473.1, NM_004862.4); short protein forms V104M.
Identifiers: ClinVar variation 648776 (VCV000648776.14), dbSNP rs373445989, ClinGen allele CA7904086.